The following is an entry in ClinVar:

NM_000455.5(STK11):c.597+4G>C

Gene: STK11 (serine/threonine kinase 11; plus strand). Cytogenetic location: 19p13.3.
Variant type: single nucleotide variant.
Coding change: c.597+4G>C on transcript NM_000455.5 (MANE Select); 4 bases into the intron after coding-DNA position 597, G replaced by C.
Molecular consequence: intron variant.
Genome position (GRCh38, 1-based): chr19:1,220,509, G>C. VCF-style: chr19-1220509-G-C. GRCh37 (hg19) VCF-style: chr19-1220508-G-C.
Other names: c.597+4G>C (NM_001407255.1).
Identifiers: ClinVar variation 2829260 (VCV002829260.3), dbSNP rs2145424724, ClinGen allele CA2735577411.

ClinVar aggregate classification (germline): Uncertain significance (1 of 4 stars; one submission).

Conditions:
Peutz-Jeghers syndrome (PJS). Also called: POLYPOSIS, HAMARTOMATOUS INTESTINAL; POLYPS-AND-SPOTS SYNDROME; Peutz-Jeghers polyposis; Periorificial lentiginosis syndrome. Identifiers: Orphanet 2869, MedGen C0031269, MeSH D010580, MONDO:0008280, OMIM 175200.

Submission:

Labcorp Genetics (formerly Invitae), Labcorp
Classification: Uncertain significance for Peutz-Jeghers syndrome. Last evaluated: 2023-01-16. Review status: criteria provided, single submitter. Criteria: Invitae Variant Classification Sherloc (09022015). Collection method: clinical testing. Allele origin: germline.
Comment: This variant has not been reported in the literature in individuals affected with STK11-related conditions. This variant is not present in population databases (gnomAD no frequency). This sequence change falls in intron 4 of the STK11 gene. It does not directly change the encoded amino acid sequence of the STK11 protein. It affects a nucleotide within the consensus splice site. Variants that disrupt the consensus splice site are a relatively common cause of aberrant splicing (PMID: 17576681, 9536098). Algorithms developed to predict the effect of sequence changes on RNA splicing suggest that this variant is not likely to affect RNA splicing. In summary, the available evidence is currently insufficient to determine the role of this variant in disease. Therefore, it has been classified as a Variant of Uncertain Significance.

Literature cited by the submitters: PubMed 17576681; PubMed 9536098.